The following is an entry in ClinVar:

NM_020738.4(KIDINS220):c.3190+3G>A

Gene: KIDINS220 (kinase D interacting substrate 220; minus strand). Cytogenetic location: 2p25.1.
Variant type: single nucleotide variant.
Coding change: c.3190+3G>A on transcript NM_020738.4 (MANE Select); 3 bases into the intron after coding-DNA position 3190, G replaced by A.
Molecular consequence: intron variant.
Genome position (GRCh38, 1-based): chr2:8,751,463, C>T on the plus strand (G>A on the coding strand, the complement: KIDINS220 is on the minus strand). VCF-style: chr2-8751463-C-T. GRCh37 (hg19) VCF-style: chr2-8891593-C-T.
Other names: c.3190+3G>A (NM_001348741.2, NM_001348738.2, NM_001348742.2 and 3 more transcripts); c.3193+3G>A (NM_001348739.2, NM_001348740.2, NM_001348734.2 and 2 more transcripts); c.3064+3G>A (NM_001348736.2).
Identifiers: ClinVar variation 3353860 (VCV003353860.1).
Genomic context (GRCh38, chr2:8,751,463, plus strand): 5'-GTTAGAAACATGAAAAATTCTTAGAACTTTAGATGAAAAATTAAATTTACTACTAATACC[C>T]ACCTGCAATAATTTCCCGTAGTTTGGGATCTAGGTTTACAGTGCATGGCAAAAAGACTTT-3'

ClinVar aggregate classification (germline): Likely benign (0 of 4 stars; one submission).

Conditions:
KIDINS220-related disorder. Also called: KIDINS220-related condition.

gnomAD v4.1: 3 of 1,598,378 alleles (0.00019%); highest among the groups gnomAD compares: African/African-American, 0.0027%; no homozygotes.

Submission:

PreventionGenetics, part of Exact Sciences
Classification: Likely benign for KIDINS220-related condition. Last evaluated: 2022-07-06. Review status: no assertion criteria provided. Collection method: clinical testing. Allele origin: germline.
Comment: This variant is classified as likely benign based on ACMG/AMP sequence variant interpretation guidelines (Richards et al. 2015 PMID: 25741868, with internal and published modifications).